The following is an entry in ClinVar:

NM_022114.4(PRDM16):c.2785C>A (p.Pro929Thr)

Gene: PRDM16 (PR/SET domain 16; plus strand). Cytogenetic location: 1p36.32.
Variant type: single nucleotide variant.
Coding change: c.2785C>A on transcript NM_022114.4 (MANE Select); coding-DNA position 2785, C replaced by A.
Protein change: p.Pro929Thr; replaces proline 929 with threonine.
Molecular consequence: missense variant.
Genome position (GRCh38, 1-based): chr1:3,417,921, C>A. VCF-style: chr1-3417921-C-A. GRCh37 (hg19) VCF-style: chr1-3334485-C-A.
Other names: c.2785C>A, p.Pro929Thr (NM_199454.3); short protein forms P929T.
Identifiers: ClinVar variation 4774475 (VCV004774475.1).

ClinVar aggregate classification (germline): Uncertain significance (1 of 4 stars; one submission).

Conditions:
Left ventricular noncompaction 8 (LVNC8). Identifiers: Orphanet 154, Orphanet 54260, MedGen C3809288, MONDO:0014152, OMIM 615373.

gnomAD v4.1: 7 of 1,612,324 alleles (0.00043%); highest among the groups gnomAD compares: Non-Finnish European, 0.00059%; no homozygotes.

Submission:

Labcorp Genetics (formerly Invitae), Labcorp
Classification: Uncertain significance for Left ventricular noncompaction 8. Last evaluated: 2026-01-28. Review status: criteria provided, single submitter. Criteria: Invitae Variant Classification Sherloc (09022015). Collection method: clinical testing. Allele origin: germline.
Comment: This sequence change replaces proline, which is neutral and non-polar, with threonine, which is neutral and polar, at codon 929 of the PRDM16 protein (p.Pro929Thr). This variant is not present in population databases (gnomAD no frequency). This variant has not been reported in the literature in individuals affected with PRDM16-related conditions. An algorithm developed to predict the effect of missense changes on protein structure and function (PolyPhen-2) suggests that this variant is likely to be tolerated. In summary, the available evidence is currently insufficient to determine the role of this variant in disease. Therefore, it has been classified as a Variant of Uncertain Significance.